The following is an entry in ClinVar:

NM_030962.4(SBF2):c.55+3A>C

Genes: SBF2 (SET binding factor 2; minus strand), LOC130005303 (ATAC-STARR-seq lymphoblastoid silent region 3141; plus strand). Cytogenetic location: 11p15.4.
Variant type: single nucleotide variant.
Coding change: c.55+3A>C on transcript NM_030962.4 (MANE Select); 3 bases into the intron after coding-DNA position 55, A replaced by C.
Molecular consequence: intron variant.
Genome position (GRCh38, 1-based): chr11:10,294,012, T>G on the plus strand (A>C on the coding strand, the complement: SBF2 is on the minus strand). VCF-style: chr11-10294012-T-G. GRCh37 (hg19) VCF-style: chr11-10315559-T-G.
Other names: c.91+6394A>C (NM_001425069.1, NM_001425070.1, NM_001424318.1); c.55+3A>C (NM_001386342.1, NM_001386339.1).
Identifiers: ClinVar variation 3663407 (VCV003663407.2).

ClinVar aggregate classification (germline): Uncertain significance (1 of 4 stars; one submission).

Conditions:
Charcot-Marie-Tooth disease type 4. Also called: Charcot-Marie-Tooth, Type 4; Charcot-Marie-Tooth disease, type IV. Identifiers: Orphanet 64749, MedGen C4082197, MONDO:0018995.

Submission:

Labcorp Genetics (formerly Invitae), Labcorp
Classification: Uncertain significance for Charcot-Marie-Tooth disease type 4. Last evaluated: 2024-11-04. Review status: criteria provided, single submitter. Criteria: Invitae Variant Classification Sherloc (09022015). Collection method: clinical testing. Allele origin: germline.
Comment: This sequence change falls in intron 1 of the SBF2 gene. It does not directly change the encoded amino acid sequence of the SBF2 protein. It affects a nucleotide within the consensus splice site. This variant is not present in population databases (gnomAD no frequency). This variant has not been reported in the literature in individuals affected with SBF2-related conditions. Variants that disrupt the consensus splice site are a relatively common cause of aberrant splicing (PMID: 17576681, 9536098). Algorithms developed to predict the effect of sequence changes on RNA splicing suggest that this variant may disrupt the consensus splice site. In summary, the available evidence is currently insufficient to determine the role of this variant in disease. Therefore, it has been classified as a Variant of Uncertain Significance.

Literature cited by the submitters: PubMed 17576681; PubMed 9536098.